The following is an entry in ClinVar:

ClinVar aggregate classification (germline): Pathogenic (1 of 4 stars; one submission).

Conditions:
Hypoparathyroidism, deafness, renal disease syndrome (HDRS). Also called: HYPOPARATHYROIDISM, SENSORINEURAL DEAFNESS, AND RENAL DYSPLASIA SYNDROME. Identifiers: Orphanet 2237, MedGen C1840333, MONDO:0007797, OMIM 146255.

Submission:

Women's Health and Genetics/Laboratory Corporation of America, LabCorp
Classification: Pathogenic for Hypoparathyroidism, deafness, renal disease syndrome. Last evaluated: 2025-02-11. Review status: criteria provided, single submitter. Criteria: LabCorp Variant Classification Summary - May 2015. Collection method: clinical testing. Allele origin: germline.
Comment: Variant summary: GATA3 c.670_676dupCCCTACG (p.Val226AlafsX80) results in a premature termination codon, predicted to cause a truncation of the encoded protein or absence of the protein due to nonsense mediated decay, which are commonly known mechanisms for disease. The variant was absent in 249294 control chromosomes (gnomAD). To our knowledge, no occurrence of c.670_676dupCCCTACG in individuals affected with Hypoparathyroidism, Deafness, Renal Disease Syndrome and no experimental evidence demonstrating its impact on protein function have been reported. No submitters have cited clinical-significance assessments for this variant to ClinVar. Based on the evidence outlined above, the variant was classified as pathogenic.

NM_001002295.2(GATA3):c.670_676dup (p.Val226fs)

Gene: GATA3 (GATA binding protein 3; plus strand). Cytogenetic location: 10p14.
Variant type: Duplication.
Coding change: c.670_676dup on transcript NM_001002295.2 (MANE Select); coding-DNA positions 670 to 676, 7 bases duplicated (CCCTACG; older notation c.670_676dupCCCTACG).
Protein change: p.Val226fs; shifts the reading frame from valine 226.
Molecular consequence: frameshift variant.
Genome position (GRCh38, 1-based): chr10:8,058,733-8,058,739, CCCTACG duplicated; duplicating any 7 consecutive bases within chr10:8,058,731-8,058,739 gives the same sequence; the c. name uses the placement nearest the transcript's 3' end. VCF-style (leftmost placement, unchanged base first): chr10-8058730-C-CCGCCCTA. GRCh37 (hg19) VCF-style: chr10-8100693-C-CCGCCCTA.
Other names: c.670_676dup, p.Val226fs (NM_002051.3); c.670_676dupCCCTACG (NM_001002295.2); short protein forms V226fs.
Identifiers: ClinVar variation 3768604 (VCV003768604.1).